The following is an entry in ClinVar:

ClinVar aggregate classification (germline): Uncertain significance. Review status: criteria provided, multiple submitters, no conflicts (2 of 4 stars). 2 submissions from 2 submitters: Uncertain significance (2). Last evaluated 2026-01-19.

Conditions:
Hereditary sensory and autonomic neuropathy with spastic paraplegia (HSNSP). Identifiers: Orphanet 139578, MedGen C1850395, MONDO:0009748, OMIM 256840.

Allele frequency attached by ClinVar (database versions not stated): gnomAD 0.00002; TOPMed 0.00002.
gnomAD v4.1: 24 of 1,614,018 alleles (0.0015%); highest among the groups gnomAD compares: Non-Finnish European, 0.0019%; no homozygotes.

Submissions (2):

Labcorp Genetics (formerly Invitae), Labcorp
Classification: Uncertain significance for Hereditary sensory and autonomic neuropathy with spastic paraplegia. Last evaluated: 2026-01-19. Review status: criteria provided, single submitter. Criteria: Invitae Variant Classification Sherloc (09022015). Collection method: clinical testing. Allele origin: germline.
Comment: This sequence change replaces isoleucine, which is neutral and non-polar, with valine, which is neutral and non-polar, at codon 145 of the CCT5 protein (p.Ile145Val). This variant is present in population databases (rs756876432, gnomAD 0.002%). This variant has not been reported in the literature in individuals affected with CCT5-related conditions. ClinVar contains an entry for this variant (Variation ID: 2722335). Invitae Evidence Modeling of protein sequence and biophysical properties (such as structural, functional, and spatial information, amino acid conservation, physicochemical variation, residue mobility, and thermodynamic stability) indicates that this missense variant is not expected to disrupt CCT5 protein function with a negative predictive value of 80%. In summary, the available evidence is currently insufficient to determine the role of this variant in disease. Therefore, it has been classified as a Variant of Uncertain Significance.

Ambry Genetics
Classification: Uncertain significance. Last evaluated: 2024-04-30. Review status: criteria provided, single submitter. Criteria: Ambry Variant Classification Scheme 2023. Collection method: clinical testing. Allele origin: germline.

NM_012073.5(CCT5):c.433A>G (p.Ile145Val)

Gene: CCT5 (chaperonin containing TCP1 subunit 5; plus strand). Cytogenetic location: 5p15.2.
Variant type: single nucleotide variant.
Coding change: c.433A>G on transcript NM_012073.5 (MANE Select); coding-DNA position 433, A replaced by G.
Protein change: p.Ile145Val; replaces isoleucine 145 with valine.
Molecular consequence: missense variant.
Genome position (GRCh38, 1-based): chr5:10,256,056, A>G. VCF-style: chr5-10256056-A-G. GRCh37 (hg19) VCF-style: chr5-10256168-A-G.
Other names: c.370A>G, p.Ile124Val (NM_001306153.1); c.268A>G, p.Ile90Val (NM_001306154.2); c.154A>G, p.Ile52Val (NM_001306155.2); c.319A>G, p.Ile107Val (NM_001306156.2); short protein forms I52V, I107V, I124V, I145V, I90V.
Identifiers: ClinVar variation 2722335 (VCV002722335.4), dbSNP rs756876432, ClinGen allele CA3198072.